The following is an entry in ClinVar:

ClinVar aggregate classification (germline): Uncertain significance (1 of 4 stars; one submission).

Allele frequency attached by ClinVar (database versions not stated): gnomAD exomes below 0.00001; ExAC 0.00001; gnomAD 0.00001; TOPMed 0.00001; 1000 Genomes Project 30x 0.00016; 1000 Genomes Project 0.00020.
gnomAD v4.1: 7 of 1,614,060 alleles (0.00043%); highest among the groups gnomAD compares: Non-Finnish European, 0.00051%; no homozygotes.

Submission:

Labcorp Genetics (formerly Invitae), Labcorp
Classification: Uncertain significance. Last evaluated: 2024-02-24. Review status: criteria provided, single submitter. Criteria: Invitae Variant Classification Sherloc (09022015). Collection method: clinical testing. Allele origin: germline.
Comment: This sequence change replaces tyrosine, which is neutral and polar, with aspartic acid, which is acidic and polar, at codon 59 of the TSPAN12 protein (p.Tyr59Asp). This variant is present in population databases (rs183489732, gnomAD 0.0009%). This variant has not been reported in the literature in individuals affected with TSPAN12-related conditions. ClinVar contains an entry for this variant (Variation ID: 1393013). An algorithm developed to predict the effect of missense changes on protein structure and function (PolyPhen-2) suggests that this variant is likely to be disruptive. In summary, the available evidence is currently insufficient to determine the role of this variant in disease. Therefore, it has been classified as a Variant of Uncertain Significance.

NM_012338.4(TSPAN12):c.175T>G (p.Tyr59Asp)

Gene: TSPAN12 (tetraspanin 12; minus strand). Cytogenetic location: 7q31.31.
Variant type: single nucleotide variant.
Coding change: c.175T>G on transcript NM_012338.4 (MANE Select); coding-DNA position 175, T replaced by G.
Protein change: p.Tyr59Asp; replaces tyrosine 59 with aspartic acid.
Molecular consequence: missense variant.
Genome position (GRCh38, 1-based): chr7:120,838,887, A>C on the plus strand (T>G on the coding strand, the complement: TSPAN12 is on the minus strand). VCF-style: chr7-120838887-A-C. GRCh37 (hg19) VCF-style: chr7-120478941-A-C.
Other names: short protein forms Y59D.
Identifiers: ClinVar variation 1393013 (VCV001393013.6), dbSNP rs183489732, ClinGen allele CA4453974.